The following is an entry in ClinVar:

NM_004628.5(XPC):c.2595C>A (p.Tyr865Ter)

Gene: XPC (XPC complex subunit, DNA damage recognition and repair factor; minus strand). Cytogenetic location: 3p25.1.
Variant type: single nucleotide variant.
Coding change: c.2595C>A on transcript NM_004628.5 (MANE Select); coding-DNA position 2595, C replaced by A.
Protein change: p.Tyr865Ter; replaces tyrosine 865 with a stop codon.
Molecular consequence: nonsense. On other transcripts: non-coding transcript variant (2).
Genome position (GRCh38, 1-based): chr3:14,147,299, G>T on the plus strand (C>A on the coding strand, the complement: XPC is on the minus strand). VCF-style: chr3-14147299-G-T. GRCh37 (hg19) VCF-style: chr3-14188799-G-T.
Other names: c.2016C>A, p.Tyr672Ter (NM_001354726.2); c.2589C>A, p.Tyr863Ter (NM_001354727.2); c.2577C>A, p.Tyr859Ter (NM_001354729.2); c.2349C>A, p.Tyr783Ter (NM_001354730.2); short protein forms Y672*, Y783*, Y859*, Y863*, Y865*.
Identifiers: ClinVar variation 1329017 (VCV001329017.2), dbSNP rs370126012, ClinGen allele CA351537240.

ClinVar aggregate classification (germline): Conflicting classifications of pathogenicity. Review status: criteria provided, conflicting classifications (1 of 4 stars). 2 submissions from 2 submitters: Likely pathogenic (1); Uncertain significance (1). Last evaluated 2023-05-02.

Conditions:
Xeroderma pigmentosum, group C (XPC). Also called: XPC-Related Xeroderma Pigmentosum; Xeroderma pigmentosum, complementation group C; XERODERMA PIGMENTOSUM III; XP, GROUP C. Identifiers: Orphanet 910, MedGen C2752147, MONDO:0010211, OMIM 278720.
Xeroderma pigmentosum (XP). Identifiers: Orphanet 910, MedGen C0043346, MONDO:0019600.

Submissions (2):

Department of Pathology and Laboratory Medicine, Sinai Health System
Classification: Uncertain significance for Xeroderma pigmentosum, group C. Last evaluated: 2023-05-02. Review status: criteria provided, single submitter. Criteria: ACMG Guidelines, 2015. Collection method: research. Allele origin: germline.

Women's Health and Genetics/Laboratory Corporation of America, LabCorp
Classification: Likely pathogenic for Xeroderma pigmentosum. Last evaluated: 2021-11-16. Review status: criteria provided, single submitter. Criteria: LabCorp Variant Classification Summary - May 2015. Collection method: clinical testing. Allele origin: germline.
Comment: Variant summary: XPC c.2595C>A (p.Tyr865X) is located in exon 15 of 16, and results in a premature termination 76 codons from the normal termination codon, predicted to cause a truncation of the encoded protein or absence of the protein due to nonsense mediated decay, which are commonly known mechanisms for disease. One nearby upstream truncation also located in exon 15 (c.2544G>A, p.Trp848X), has been reported in patient(s) and is cited in ClinVar and HGMD as pathogenic and disease-associated (ClinVar Variation ID: 1075325; HGMD: CD088345). Other farther downstream truncations located in the last exon (i.e. exon 16) are cited in ClinVar as uncertain significance by one submitter (Variation IDs: 553308, 556883, 551033, 557637). The variant, c.2595C>A, was absent in 242362 control chromosomes (gnomAD). To our knowledge, no occurrence of c.2595C>A in individuals affected with Xeroderma Pigmentosum and no experimental evidence demonstrating its impact on protein function have been reported. No clinical diagnostic laboratories have submitted clinical-significance assessments for this variant to ClinVar after 2014. Based on the evidence outlined above, the variant was classified as likely pathogenic.